The following is an entry in ClinVar:

NM_016146.6(TRAPPC4):c.582-8C>T

Gene: TRAPPC4 (trafficking protein particle complex subunit 4; plus strand). Cytogenetic location: 11q23.3.
Variant type: single nucleotide variant.
Coding change: c.582-8C>T on transcript NM_016146.6 (MANE Select); 8 bases into the intron before coding-DNA position 582, C replaced by T.
Molecular consequence: intron variant.
Genome position (GRCh38, 1-based): chr11:119,023,313, C>T. VCF-style: chr11-119023313-C-T. GRCh37 (hg19) VCF-style: chr11-118894023-C-T.
Other names: c.267-8C>T (NM_001318492.2); c.468-8C>T (NM_001318488.2); c.264-8C>T (NM_001318486.2); c.420-8C>T (NM_001318489.2); c.453-8C>T (NM_001318490.2); c.303-8C>T (NM_001318494.2).
Identifiers: ClinVar variation 2642449 (VCV002642449.24), dbSNP rs190048792, ClinGen allele CA6311522.

ClinVar aggregate classification (germline): Likely benign (1 of 4 stars; one submission).

Allele frequency attached by ClinVar (database versions not stated): ESP Exome Variant Server 0.00115; gnomAD exomes 0.00151; ExAC 0.00189; 1000 Genomes Project 0.00260; 1000 Genomes Project 30x 0.00281.

Submission:

CeGaT Center for Human Genetics Tuebingen
Classification: Likely benign. Last evaluated: 2026-03-01. Review status: criteria provided, single submitter. Criteria: CeGaT Center For Human Genetics Tuebingen Variant Classification Criteria Version 2. Collection method: clinical testing. Allele origin: germline. Affected: yes. Observed: 4 variant alleles.
Comment: TRAPPC4: BP4, BS2